The following is an entry in ClinVar:

NM_001394062.1(MACF1):c.13043C>T (p.Thr4348Met)

Gene: MACF1 (microtubule actin crosslinking factor 1; plus strand). Cytogenetic location: 1p34.3.
Variant type: single nucleotide variant.
Coding change: c.13043C>T on transcript NM_001394062.1 (MANE Select); coding-DNA position 13043, C replaced by T.
Protein change: p.Thr4348Met; replaces threonine 4348 with methionine.
Molecular consequence: missense variant.
Genome position (GRCh38, 1-based): chr1:39,370,134, C>T. VCF-style: chr1-39370134-C-T. GRCh37 (hg19) VCF-style: chr1-39835806-C-T.
Other names: c.6857C>T, p.Thr2286Met (NM_012090.5); short protein forms T2286M, T4348M.
Identifiers: ClinVar variation 1974320 (VCV001974320.9), dbSNP rs544033336, ClinGen allele CA781937.

ClinVar aggregate classification (germline): Conflicting classifications of pathogenicity. Review status: criteria provided, conflicting classifications (1 of 4 stars). 2 submissions from 2 submitters: Uncertain significance (1); Likely benign (1). Last evaluated 2026-03-01.

Allele frequency attached by ClinVar (database versions not stated): TOPMed 0.00001; ExAC 0.00002; gnomAD 0.00002; gnomAD exomes 0.00002; 1000 Genomes Project 30x 0.00016; 1000 Genomes Project 0.00020.
gnomAD v4.1: 31 of 1,613,982 alleles (0.0019%); highest among the groups gnomAD compares: South Asian, 0.019%; no homozygotes.

Submissions (2):

CeGaT Center for Human Genetics Tuebingen
Classification: Likely benign. Last evaluated: 2026-03-01. Review status: criteria provided, single submitter. Criteria: CeGaT Center For Human Genetics Tuebingen Variant Classification Criteria Version 2. Collection method: clinical testing. Allele origin: germline. Affected: yes. Observed: 1 variant allele.
Comment: MACF1: BP4

Labcorp Genetics (formerly Invitae), Labcorp
Classification: Uncertain significance. Last evaluated: 2022-06-04. Review status: criteria provided, single submitter. Criteria: Invitae Variant Classification Sherloc (09022015). Collection method: clinical testing. Allele origin: germline.
Comment: In summary, the available evidence is currently insufficient to determine the role of this variant in disease. Therefore, it has been classified as a Variant of Uncertain Significance. Algorithms developed to predict the effect of missense changes on protein structure and function (SIFT, PolyPhen-2, Align-GVGD) all suggest that this variant is likely to be tolerated. This variant has not been reported in the literature in individuals affected with MACF1-related conditions. This variant is present in population databases (rs544033336, gnomAD 0.01%). This sequence change replaces threonine, which is neutral and polar, with methionine, which is neutral and non-polar, at codon 2286 of the MACF1 protein (p.Thr2286Met).